The following is an entry in ClinVar:

NM_020297.4(ABCC9):c.3222_3233delinsCC (p.Lys1075fs)

Gene: ABCC9 (ATP binding cassette subfamily C member 9; minus strand). Cytogenetic location: 12p12.1.
Variant type: Indel.
Coding change: c.3222_3233delinsCC on transcript NM_020297.4 (MANE Select); coding-DNA positions 3222 to 3233, TAAGATAATCCT replaced by CC.
Protein change: p.Lys1075fs; shifts the reading frame from lysine 1075.
Molecular consequence: frameshift variant.
Genome position (GRCh38, 1-based): chr12:21,844,779-21,844,790, AGGATTATCTTA replaced by GG on the plus strand (TAAGATAATCCT replaced by CC on the coding strand, the reverse complement: ABCC9 is on the minus strand). VCF-style: chr12-21844779-AGGATTATCTTA-GG. GRCh37 (hg19) VCF-style: chr12-21997713-AGGATTATCTTA-GG.
Other names: c.3222_3233delinsCC, p.Lys1075fs (NM_001377273.1, NM_005691.4); c.2355_2366delinsCC, p.Lys786fs (NM_001377274.1); c.3222_3233delTAAGATAATCCTinsCC, p.Lys1075Leufs (NM_020297.2); short protein forms K1075fs, K786fs.
Identifiers: ClinVar variation 2571964 (VCV002571964.1), dbSNP rs2541072369, ClinGen allele CA2580615150.

ClinVar aggregate classification (germline): Uncertain significance (1 of 4 stars; one submission).

Submission:

GeneDx
Classification: Uncertain significance. Last evaluated: 2023-01-10. Review status: criteria provided, single submitter. Criteria: GeneDx Variant Classification Process June 2021. Collection method: clinical testing. Allele origin: germline. Affected: yes.
Comment: Has not been previously published as pathogenic or benign to our knowledge; Not observed at significant frequency in large population cohorts (gnomAD); Frameshift variant predicted to result in protein truncation or nonsense mediated decay in a gene or region of a gene for which loss of function is not a well-established mechanism of disease